The following is an entry in ClinVar:

ClinVar aggregate classification (germline): Uncertain significance (1 of 4 stars; one submission).

gnomAD v4.1: 18 of 1,570,246 alleles (0.0011%); highest among the groups gnomAD compares: African/African-American, 0.0041%; no homozygotes.

Submission:

Labcorp Genetics (formerly Invitae), Labcorp
Classification: Uncertain significance. Last evaluated: 2025-08-28. Review status: criteria provided, single submitter. Criteria: Invitae Variant Classification Sherloc (09022015). Collection method: clinical testing. Allele origin: germline.
Comment: This sequence change replaces threonine, which is neutral and polar, with methionine, which is neutral and non-polar, at codon 252 of the GATA5 protein (p.Thr252Met). The frequency data for this variant in the population databases is considered unreliable, as metrics indicate poor data quality at this position in the gnomAD database. This variant has not been reported in the literature in individuals affected with GATA5-related conditions. ClinVar contains an entry for this variant (Variation ID: 3616655). Invitae Evidence Modeling of protein sequence and biophysical properties (such as structural, functional, and spatial information, amino acid conservation, physicochemical variation, residue mobility, and thermodynamic stability) indicates that this missense variant is expected to disrupt GATA5 protein function with a positive predictive value of 80%. In summary, the available evidence is currently insufficient to determine the role of this variant in disease. Therefore, it has been classified as a Variant of Uncertain Significance.

NM_080473.5(GATA5):c.755C>T (p.Thr252Met)

Gene: GATA5 (GATA binding protein 5; minus strand). Cytogenetic location: 20q13.33.
Variant type: single nucleotide variant.
Coding change: c.755C>T on transcript NM_080473.5 (MANE Select); coding-DNA position 755, C replaced by T.
Protein change: p.Thr252Met; replaces threonine 252 with methionine.
Molecular consequence: missense variant.
Genome position (GRCh38, 1-based): chr20:62,466,496, G>A on the plus strand (C>T on the coding strand, the complement: GATA5 is on the minus strand). VCF-style: chr20-62466496-G-A. GRCh37 (hg19) VCF-style: chr20-61041552-G-A.
Other names: short protein forms T252M.
Identifiers: ClinVar variation 3616655 (VCV003616655.2).